The following is an entry in ClinVar:

ClinVar aggregate classification (germline): Uncertain significance (1 of 4 stars; one submission).

Allele frequency attached by ClinVar (database versions not stated): gnomAD exomes below 0.00001; gnomAD 0.00001; TOPMed 0.00001.
gnomAD v4.1: 8 of 1,613,482 alleles (0.0005%); highest among the groups gnomAD compares: Non-Finnish European, 0.00068%; no homozygotes.

Submission:

Labcorp Genetics (formerly Invitae), Labcorp
Classification: Uncertain significance. Last evaluated: 2022-05-12. Review status: criteria provided, single submitter. Criteria: Invitae Variant Classification Sherloc (09022015). Collection method: clinical testing. Allele origin: germline.
Comment: This variant is present in population databases (rs769262054, gnomAD 0.002%). This sequence change replaces proline, which is neutral and non-polar, with serine, which is neutral and polar, at codon 942 of the ERBB2 protein (p.Pro942Ser). This variant has not been reported in the literature in individuals affected with ERBB2-related conditions. In summary, the available evidence is currently insufficient to determine the role of this variant in disease. Therefore, it has been classified as a Variant of Uncertain Significance. Algorithms developed to predict the effect of missense changes on protein structure and function are either unavailable or do not agree on the potential impact of this missense change (SIFT: "Tolerated"; PolyPhen-2: "Probably Damaging"; Align-GVGD: "Class C0").

NM_004448.4(ERBB2):c.2824C>T (p.Pro942Ser)

Gene: ERBB2 (erb-b2 receptor tyrosine kinase 2; plus strand). Cytogenetic location: 17q12.
Variant type: single nucleotide variant.
Coding change: c.2824C>T on transcript NM_004448.4 (MANE Select); coding-DNA position 2824, C replaced by T.
Protein change: p.Pro942Ser; replaces proline 942 with serine.
Molecular consequence: missense variant. On other transcripts: non-coding transcript variant (1), intron variant (1).
Genome position (GRCh38, 1-based): chr17:39,725,805, C>T. VCF-style: chr17-39725805-C-T. GRCh37 (hg19) VCF-style: chr17-37882058-C-T.
Other names: c.2734C>T, p.Pro912Ser (NM_001005862.3, NM_001382782.1, NM_001382783.1); c.2779C>T, p.Pro927Ser (NM_001289936.2); c.2824C>T, p.Pro942Ser (NM_001289937.2, NM_001382796.1); c.2941C>T, p.Pro981Ser (NM_001382784.1); c.2926C>T, p.Pro976Ser (NM_001382785.1); c.2905C>T, p.Pro969Ser (NM_001382786.1); c.2899C>T, p.Pro967Ser (NM_001382787.1); c.2854C>T, p.Pro952Ser (NM_001382788.1); and 15 more; short protein forms P880S, P926S, P942S, P967S, P666S, P890S, P949S, P981S.
Identifiers: ClinVar variation 1522869 (VCV001522869.6), dbSNP rs769262054, ClinGen allele CA8534385.
Genomic context (GRCh38, chr17:39,725,805, plus strand): 5'-CCTTACGATGGGATCCCAGCCCGGGAGATCCCTGACCTGCTGGAAAAGGGGGAGCGGCTG[C>T]CCCAGCCCCCCATCTGCACCATTGATGTCTACATGATCATGGTCAAATGTGCGTGGCTGA-3'
Protein context (NP_004439.2, residues 932-952): PDLLEKGERL[Pro942Ser]QPPICTIDVY